The following is an entry in ClinVar:

ClinVar aggregate classification (germline): Conflicting classifications of pathogenicity. Review status: criteria provided, conflicting classifications (1 of 4 stars). 2 submissions from 2 submitters: Uncertain significance (1); Likely benign (1). Last evaluated 2025-12-01.

Conditions:
Osteogenesis imperfecta type I (OI1). Also called: Classic Non-deforming Osteogenesis Imperfecta with Blue Sclerae; Osteogenesis imperfecta type 1; OI, TYPE I; OSTEOGENESIS IMPERFECTA TARDA; OSTEOGENESIS IMPERFECTA WITH BLUE SCLERAE; Lobstein's Disease. Identifiers: Orphanet 216796, Orphanet 666, MedGen C0023931, MONDO:0008146, OMIM 166200. Disease mechanism: loss of function.

Allele frequency attached by ClinVar (database versions not stated): ExAC 0.00001; gnomAD 0.00001; gnomAD exomes 0.00001; ESP Exome Variant Server 0.00008.
gnomAD v4.1: 7 of 1,614,046 alleles (0.00043%); highest among the groups gnomAD compares: Non-Finnish European, 0.00042%; no homozygotes.

Submissions (2):

Labcorp Genetics (formerly Invitae), Labcorp
Classification: Likely benign for Osteogenesis imperfecta type I. Last evaluated: 2025-12-01. Review status: criteria provided, single submitter. Criteria: Invitae Variant Classification Sherloc (09022015). Collection method: clinical testing. Allele origin: germline.

GeneDx
Classification: Uncertain significance. Last evaluated: 2024-10-29. Review status: criteria provided, single submitter. Criteria: GeneDx Variant Classification Process June 2021. Collection method: clinical testing. Allele origin: germline. Affected: yes.
Comment: Reported in trans with a COL1A1 A1083T variant in an individual with primary congenital glaucoma (PMID: 27484908); In silico analysis indicates that this missense variant does not alter protein structure/function; Occurs in the triple helical domain at the X position in the canonical Gly-X-Y repeat; although this variant may have an effect on normal protein folding and function, missense substitution at the X position is not a common mechanism of disease (HGMD); Not observed at significant frequency in large population cohorts (gnomAD); This variant is associated with the following publications: (PMID: 32742340, 37079061, 27484908)

NM_000088.4(COL1A1):c.790A>T (p.Met264Leu)

Genes: COL1A1 (collagen type I alpha 1 chain; minus strand), LOC126862586 (CDK7 strongly-dependent group 2 enhancer GRCh37_chr17:48273702-48274901; plus strand). Cytogenetic location: 17q21.33.
Variant type: single nucleotide variant.
Coding change: c.790A>T on transcript NM_000088.4 (MANE Select); coding-DNA position 790, A replaced by T.
Protein change: p.Met264Leu; replaces methionine 264 with leucine.
Molecular consequence: missense variant.
Genome position (GRCh38, 1-based): chr17:50,197,024, T>A on the plus strand (A>T on the coding strand, the complement: COL1A1 is on the minus strand). VCF-style: chr17-50197024-T-A. GRCh37 (hg19) VCF-style: chr17-48274385-T-A.
Other names: short protein forms M264L.
Identifiers: ClinVar variation 1303487 (VCV001303487.9), dbSNP rs374947065, ClinGen allele CA8645553.